The following is an entry in ClinVar:

ClinVar aggregate classification (germline): Uncertain significance. Review status: criteria provided, multiple submitters, no conflicts (2 of 4 stars). 6 submissions from 6 submitters: Uncertain significance (6). Last evaluated 2025-09-27.

Conditions:
Hypertrophic cardiomyopathy 1 (CMH1). Also called: Familial hypertrophic cardiomyopathy 1; MYH7-Related Familial Hypertrophic Cardiomyopathy. Identifiers: MedGen C3495498, MONDO:0008647, OMIM 192600.
Congenital myopathy with fiber type disproportion. Also called: Congenital fiber-type disproportion; Congenital fiber-type disproportion myopathy. Identifiers: Orphanet 2020, MedGen C0546264, MONDO:0009711. Inheritance: all.
Myopathy, myosin storage, autosomal recessive (CMYO7B). Also called: CONGENITAL MYOPATHY 7B, MYOSIN STORAGE, AUTOSOMAL RECESSIVE. Identifiers: Orphanet 636970, MedGen C1850709, MONDO:0009708, OMIM 255160.
MYH7-related skeletal myopathy. Also called: Myopathy, distal, 1; MYOPATHY, DISTAL, EARLY-ONSET, AUTOSOMAL DOMINANT; MYOPATHY, LATE DISTAL HEREDITARY; Laing early-onset distal myopathy; Laing distal myopathy. Identifiers: Orphanet 59135, MedGen C4552004, MONDO:0008050, OMIM 160500.
Dilated cardiomyopathy 1S (CMD1S). Identifiers: Orphanet 154, Orphanet 54260, MedGen C1834481, MONDO:0013262, OMIM 613426.
Myosin storage myopathy (CMYO7A). Also called: Scapuloperoneal myopathy, MYH7-related; MYH7-related late-onset scapuloperoneal muscular dystrophy; Congenital myopathy 7A, myosin storage, autosomal dominant; MYOPATHY, HYALINE BODY, AUTOSOMAL DOMINANT; MYOPATHY WITH LYSIS OF TYPE I MYOFIBRILS; SCAPULOPERONEAL MUSCULAR DYSTROPHY. Identifiers: Orphanet 437572, Orphanet 636965, MedGen C1842160, MONDO:0008409, OMIM 608358.
Hypertrophic cardiomyopathy. Also called: HYPERTROPHIC MYOCARDIOPATHY. Identifiers: Orphanet 217569, MedGen C0007194, MeSH D002312, MONDO:0005045, HP:0001639.
Cardiovascular phenotype. Identifiers: MedGen CN230736.
Cardiomyopathy (CMYO). Also called: Cardiomyopathies. Identifiers: Orphanet 167848, MedGen C0878544, MONDO:0004994, HP:0001638. Inheritance: Various modes of inheritance.
Conduction disorder of the heart. Also called: Cardiac conduction defect. Identifiers: Orphanet 871, MedGen C0264886, MONDO:0100042, OMIM 115080.

Allele frequency attached by ClinVar (database versions not stated): gnomAD exomes below 0.00001.
gnomAD v4.1: 1 of 1,614,156 alleles (0.000062%); highest among the groups gnomAD compares: Non-Finnish European, 0.000085%; no homozygotes.

Submissions (6):

Labcorp Genetics (formerly Invitae), Labcorp
Classification: Uncertain significance for Hypertrophic cardiomyopathy. Last evaluated: 2025-09-27. Review status: criteria provided, single submitter. Criteria: Invitae Variant Classification Sherloc (09022015). Collection method: clinical testing. Allele origin: germline.
Comment: This sequence change replaces alanine, which is neutral and non-polar, with threonine, which is neutral and polar, at codon 1586 of the MYH7 protein (p.Ala1586Thr). This variant is not present in population databases (gnomAD no frequency). This variant has not been reported in the literature in individuals affected with MYH7-related conditions. ClinVar contains an entry for this variant (Variation ID: 660218). Invitae Evidence Modeling of protein sequence and biophysical properties (such as structural, functional, and spatial information, amino acid conservation, physicochemical variation, residue mobility, and thermodynamic stability) indicates that this missense variant is not expected to disrupt MYH7 protein function with a negative predictive value of 95%. In summary, the available evidence is currently insufficient to determine the role of this variant in disease. Therefore, it has been classified as a Variant of Uncertain Significance.

Ambry Genetics
Classification: Uncertain significance for Cardiovascular phenotype. Last evaluated: 2024-04-12. Review status: criteria provided, single submitter. Criteria: Ambry Variant Classification Scheme 2023. Collection method: clinical testing. Allele origin: germline.
Comment: The p.A1586T variant (also known as c.4756G>A), located in coding exon 32 of the MYH7 gene, results from a G to A substitution at nucleotide position 4756. The alanine at codon 1586 is replaced by threonine, an amino acid with similar properties. This amino acid position is not well conserved in available vertebrate species. In addition, this alteration is predicted to be tolerated by in silico analysis. Based on the available evidence, the clinical significance of this variant remains unclear.

Color Diagnostics, LLC DBA Color Health
Classification: Uncertain significance for Cardiomyopathy. Last evaluated: 2024-03-06. Review status: criteria provided, single submitter. Criteria: ACMG Guidelines, 2015. Collection method: clinical testing. Allele origin: germline.
Comment: This missense variant replaces alanine with threonine at codon 1586 of the MYH7 protein. Computational prediction suggests that this variant may not impact protein structure and function (internally defined REVEL score threshold <= 0.5, PMID: 27666373). To our knowledge, functional studies have not been reported for this variant. This variant has not been reported in individuals affected with cardiovascular disorders in the literature. This variant has not been identified in the general population by the Genome Aggregation Database (gnomAD). The available evidence is insufficient to determine the role of this variant in disease conclusively. Therefore, this variant is classified as a Variant of Uncertain Significance.

All of Us Research Program, National Institutes of Health
Classification: Uncertain significance for Cardiomyopathy. Last evaluated: 2023-11-30. Review status: criteria provided, single submitter. Criteria: ACMG Guidelines, 2015. Collection method: clinical testing. Allele origin: germline. Inheritance: Autosomal dominant inheritance. Observed: 2 variant alleles, 2 heterozygotes.
Comment: This missense variant replaces alanine with threonine at codon 1586 of the MYH7 protein. Computational prediction suggests that this variant may not impact protein structure and function (internally defined REVEL score threshold <= 0.5, PMID: 27666373). To our knowledge, functional studies have not been reported for this variant. This variant has not been reported in individuals affected with cardiovascular disorders in the literature. This variant has not been identified in the general population by the Genome Aggregation Database (gnomAD). The available evidence is insufficient to determine the role of this variant in disease conclusively. Therefore, this variant is classified as a Variant of Uncertain Significance.

This study involves interpretation of variants in research participants for the purpose of population health screening. Participant phenotype was not available at the time of variant classification. Additional details can be found in publication PMID: 35346344, PMCID: PMC8962531

Fulgent Genetics
Classification: Uncertain significance for MYH7-related skeletal myopathy; Myosin storage myopathy; Hypertrophic cardiomyopathy 1; Myopathy, myosin storage, autosomal recessive; Congenital myopathy 4A, autosomal dominant; Dilated cardiomyopathy 1S. Last evaluated: 2021-08-11. Review status: criteria provided, single submitter. Criteria: ACMG Guidelines, 2015. Collection method: clinical testing. Allele origin: unknown.

Molecular Diagnostic Laboratory for Inherited Cardiovascular Disease, Montreal Heart Institute
Classification: Uncertain significance for Conduction disorder of the heart. Review status: criteria provided, single submitter. Criteria: ACMG Guidelines, 2015. Collection method: clinical testing. Allele origin: germline. Affected: yes.

NM_000257.4(MYH7):c.4756G>A (p.Ala1586Thr)

Genes: MYH7 (myosin heavy chain 7; minus strand), MHRT (myosin heavy chain associated RNA transcript; plus strand), LOC126861897 (BRD4-independent group 4 enhancer GRCh37_chr14:23884455-23885654; plus strand). Cytogenetic location: 14q11.2.
Variant type: single nucleotide variant.
Coding change: c.4756G>A on transcript NM_000257.4 (MANE Select); coding-DNA position 4756, G replaced by A.
Protein change: p.Ala1586Thr; replaces alanine 1586 with threonine.
Molecular consequence: missense variant. On other transcripts: non-coding transcript variant (1).
Genome position (GRCh38, 1-based): chr14:23,416,201, C>T on the plus strand (G>A on the coding strand, the complement: MYH7 is on the minus strand). VCF-style: chr14-23416201-C-T. GRCh37 (hg19) VCF-style: chr14-23885410-C-T.
Other names: short protein forms A1586T.
Identifiers: ClinVar variation 660218 (VCV000660218.15), dbSNP rs1595073523, ClinGen allele CA389037697.